The following is an entry in ClinVar:

NM_000444.6(PHEX):c.649G>T (p.Glu217Ter)

Gene: PHEX (phosphate regulating endopeptidase X-linked; plus strand). Cytogenetic location: Xp22.11.
Variant type: single nucleotide variant.
Coding change: c.649G>T on transcript NM_000444.6 (MANE Select); coding-DNA position 649, G replaced by T.
Protein change: p.Glu217Ter; replaces glutamic acid 217 with a stop codon.
Molecular consequence: nonsense.
Genome position (GRCh38, 1-based): chrX:22,077,688, G>T. VCF-style: chrX-22077688-G-T. GRCh37 (hg19) VCF-style: chrX-22095806-G-T.
Other names: c.649G>T, p.Glu217Ter (NM_001282754.2); short protein forms E217*.
Identifiers: ClinVar variation 961019 (VCV000961019.11), dbSNP rs1929219058, ClinGen allele CA412571682.

ClinVar aggregate classification (germline): Pathogenic. Review status: criteria provided, multiple submitters, no conflicts (2 of 4 stars). 2 submissions from 2 submitters: Pathogenic (2). Last evaluated 2023-08-21.

Conditions:
Familial X-linked hypophosphatemic vitamin D refractory rickets (XLHRD). Also called: Hypophosphatemic Rickets, X-Linked Dominant; X-Linked Hypophosphatemia; Hypophosphatemia, vitamin D-resistant rickets; Vitamin D-resistant rickets, X-linked; HYPOPHOSPHATEMIC VITAMIN D-RESISTANT RICKETS. Identifiers: Orphanet 89936, MedGen C0733682, MONDO:0010619, OMIM 307800.

Submissions (2):

Institute of Human Genetics, University of Leipzig Medical Center
Classification: Pathogenic for Familial X-linked hypophosphatemic vitamin D refractory rickets. Last evaluated: 2023-08-21. Review status: criteria provided, single submitter. Criteria: ACMG Guidelines, 2015. Collection method: clinical testing. Allele origin: unknown. Inheritance: X-linked dominant inheritance. Affected: yes.
Comment: Criteria applied: PVS1,PS4_MOD,PM2_SUP

Labcorp Genetics (formerly Invitae), Labcorp
Classification: Pathogenic. Last evaluated: 2020-08-11. Review status: criteria provided, single submitter. Criteria: Invitae Variant Classification Sherloc (09022015). Collection method: clinical testing. Allele origin: germline.
Comment: For these reasons, this variant has been classified as Pathogenic. Loss-of-function variants in PHEX are known to be pathogenic (PMID: 9097956, 9106524, 19219621). This variant has been observed in individuals affected with hypophosphatemia (PMID: 9768674, Invitae). This variant is not present in population databases (ExAC no frequency). This sequence change creates a premature translational stop signal (p.Glu217*) in the PHEX gene. It is expected to result in an absent or disrupted protein product.

Literature cited by the submitters: PubMed 9097956 (cited by Labcorp Genetics (formerly Invitae), Labcorp); PubMed 9106524 (cited by Labcorp Genetics (formerly Invitae), Labcorp); PubMed 19219621 (cited by Labcorp Genetics (formerly Invitae), Labcorp); PubMed 9768674 (cited by Labcorp Genetics (formerly Invitae), Labcorp).